The following is an entry in ClinVar:

NM_015404.4(WHRN):c.112A>G (p.Asn38Asp)

Gene: WHRN (whirlin; minus strand). Cytogenetic location: 9q32.
Variant type: single nucleotide variant.
Coding change: c.112A>G on transcript NM_015404.4 (MANE Select); coding-DNA position 112, A replaced by G.
Protein change: p.Asn38Asp; replaces asparagine 38 with aspartic acid.
Molecular consequence: missense variant.
Genome position (GRCh38, 1-based): chr9:114,504,690, T>C on the plus strand (A>G on the coding strand, the complement: WHRN is on the minus strand). VCF-style: chr9-114504690-T-C. GRCh37 (hg19) VCF-style: chr9-117266970-T-C.
Other names: c.112A>G, p.Asn38Asp (NM_001173425.2); short protein forms N38D.
Identifiers: ClinVar variation 1998672 (VCV001998672.4), dbSNP rs2493930616, ClinGen allele CA374614227.
Genomic context (GRCh38, chr9:114,504,690, plus strand): 5'-ACTGCTCCCGCTCCGCCTCGCTCAGCAGCGCGGTCAGCGCTTGGTGCAGCTGGCGCACGT[T>C]GGCAGACAGTAACCGCAGCCCCGCGCCCCCGCCGCCGCCCGCCCCGGCCGCCGAGCCCAG-3'
Protein context (NP_056219.3, residues 28-48): GGAGLRLLSA[Asn38Asp]VRQLHQALTA

ClinVar aggregate classification (germline): Uncertain significance (1 of 4 stars; one submission).

Submission:

Labcorp Genetics (formerly Invitae), Labcorp
Classification: Uncertain significance. Last evaluated: 2022-05-30. Review status: criteria provided, single submitter. Criteria: Invitae Variant Classification Sherloc (09022015). Collection method: clinical testing. Allele origin: germline.
Comment: This sequence change replaces asparagine, which is neutral and polar, with aspartic acid, which is acidic and polar, at codon 38 of the WHRN protein (p.Asn38Asp). This variant is not present in population databases (gnomAD no frequency). This variant has not been reported in the literature in individuals affected with WHRN-related conditions. Algorithms developed to predict the effect of missense changes on protein structure and function are either unavailable or do not agree on the potential impact of this missense change (SIFT: "Tolerated"; PolyPhen-2: "Probably Damaging"; Align-GVGD: "Class C0"). In summary, the available evidence is currently insufficient to determine the role of this variant in disease. Therefore, it has been classified as a Variant of Uncertain Significance.